The following is an entry in ClinVar:

ClinVar aggregate classification (germline): Uncertain significance. Review status: criteria provided, multiple submitters, no conflicts (2 of 4 stars). 2 submissions from 2 submitters: Uncertain significance (2). Last evaluated 2024-09-02.

Conditions:
Inborn genetic diseases. Identifiers: MedGen C0950123, MeSH D030342.
Autosomal dominant Parkinson disease 8. Also called: LRRK2-Related Parkinson Disease; Parkinson disease 8; Parkinson disease 8, susceptibility to. Identifiers: Orphanet 411602, MedGen C1846862, MONDO:0011764, OMIM 607060.

Allele frequency attached by ClinVar (database versions not stated): gnomAD exomes below 0.00001 and 0.00001; ExAC 0.00002; gnomAD 0.00003; TOPMed 0.00005.
gnomAD v4.1: 9 of 1,614,020 alleles (0.00056%); highest among the groups gnomAD compares: African/African-American, 0.0093%; no homozygotes.

Submissions (2):

Labcorp Genetics (formerly Invitae), Labcorp
Classification: Uncertain significance for Autosomal dominant Parkinson disease 8. Last evaluated: 2024-09-02. Review status: criteria provided, single submitter. Criteria: Invitae Variant Classification Sherloc (09022015). Collection method: clinical testing. Allele origin: germline.
Comment: This sequence change replaces leucine, which is neutral and non-polar, with phenylalanine, which is neutral and non-polar, at codon 708 of the LRRK2 protein (p.Leu708Phe). This variant is present in population databases (rs760381722, gnomAD 0.02%). This variant has not been reported in the literature in individuals affected with LRRK2-related conditions. ClinVar contains an entry for this variant (Variation ID: 1364095). Invitae Evidence Modeling of protein sequence and biophysical properties (such as structural, functional, and spatial information, amino acid conservation, physicochemical variation, residue mobility, and thermodynamic stability) has been performed for this missense variant. However, the output from this modeling did not meet the statistical confidence thresholds required to predict the impact of this variant on LRRK2 protein function. In summary, the available evidence is currently insufficient to determine the role of this variant in disease. Therefore, it has been classified as a Variant of Uncertain Significance.

Ambry Genetics
Classification: Uncertain significance for Inborn genetic diseases. Last evaluated: 2022-10-20. Review status: criteria provided, single submitter. Criteria: Ambry Variant Classification Scheme 2023. Collection method: clinical testing. Allele origin: germline.
Comment: The p.L708F variant (also known as c.2124A>T), located in coding exon 18 of the LRRK2 gene, results from an A to T substitution at nucleotide position 2124. The leucine at codon 708 is replaced by phenylalanine, an amino acid with highly similar properties. This amino acid position is conserved. In addition, the in silico prediction for this alteration is inconclusive. Since supporting evidence is limited at this time, the clinical significance of this alteration remains unclear.

NM_198578.4(LRRK2):c.2124A>T (p.Leu708Phe)

Gene: LRRK2 (leucine rich repeat kinase 2; plus strand). Cytogenetic location: 12q12.
Variant type: single nucleotide variant.
Coding change: c.2124A>T on transcript NM_198578.4 (MANE Select); coding-DNA position 2124, A replaced by T.
Protein change: p.Leu708Phe; replaces leucine 708 with phenylalanine.
Molecular consequence: missense variant.
Genome position (GRCh38, 1-based): chr12:40,278,144, A>T. VCF-style: chr12-40278144-A-T. GRCh37 (hg19) VCF-style: chr12-40671946-A-T.
Other names: short protein forms L708F.
Identifiers: ClinVar variation 1364095 (VCV001364095.10), dbSNP rs760381722, ClinGen allele CA6513562.
Genomic context (GRCh38, chr12:40,278,144, plus strand): 5'-TTTTTAGTTTCTAAACCTCTGTTGCAAGTGTTTTGCAAAAGTAGCTATGGATGATTACTT[A>T]AAAAATGTGATGCTAGAGAGAGCGTGTGATCAGAATAACAGCATCATGGTTGAATGCTTG-3'
Protein context (NP_940980.4, residues 698-718): CFAKVAMDDY[Leu708Phe]KNVMLERACD